The following is an entry in ClinVar:

NM_000069.3(CACNA1S):c.3315C>A (p.Asn1105Lys)

Gene: CACNA1S (calcium voltage-gated channel subunit alpha1 S; minus strand). Cytogenetic location: 1q32.1.
Variant type: single nucleotide variant.
Coding change: c.3315C>A on transcript NM_000069.3 (MANE Select); coding-DNA position 3315, C replaced by A.
Protein change: p.Asn1105Lys; replaces asparagine 1105 with lysine.
Molecular consequence: missense variant.
Genome position (GRCh38, 1-based): chr1:201,060,757, G>T on the plus strand (C>A on the coding strand, the complement: CACNA1S is on the minus strand). VCF-style: chr1-201060757-G-T. GRCh37 (hg19) VCF-style: chr1-201029885-G-T.
Other names: short protein forms N1105K.
Identifiers: ClinVar variation 2924689 (VCV002924689.4), dbSNP rs267598293, ClinGen allele CA079635.

ClinVar aggregate classification (germline): Uncertain significance. Review status: criteria provided, multiple submitters, no conflicts (2 of 4 stars). 2 submissions from 2 submitters: Uncertain significance (2). Last evaluated 2025-06-09.

Conditions:
Malignant hyperthermia, susceptibility to, 5 (MHS5). Also called: CACNA1S-Related Malignant Hyperthermia Susceptibility. Identifiers: Orphanet 423, MedGen C1866077, MONDO:0011163, OMIM 601887.
Hypokalemic periodic paralysis, type 1. Also called: Hypokalemic Periodic Paralysis Type 1 (AD); HypoPP. Identifiers: Orphanet 681, MedGen C3714580, MONDO:0042979, OMIM 170400.

Allele frequency attached by ClinVar (database versions not stated): TOPMed below 0.00001; ExAC 0.00001; gnomAD exomes 0.00001.

Submissions (2):

Color Diagnostics, LLC DBA Color Health
Classification: Uncertain significance for Malignant hyperthermia, susceptibility to, 5. Last evaluated: 2025-06-09. Review status: criteria provided, single submitter. Criteria: ACMG Guidelines, 2015. Collection method: clinical testing. Allele origin: germline.
Comment: This missense variant replaces asparagine with lysine at codon 1105 of the CACNA1S protein. Computational prediction suggests that this variant may have deleterious impact on protein structure and function. To our knowledge, functional studies have not been reported for this variant. This variant has not been reported in individuals affected with CACNA1S-related disorders in the literature. This variant has been identified in 2/251496 chromosomes in the general population by the Genome Aggregation Database (gnomAD). The available evidence is insufficient to determine the role of this variant in disease conclusively. Therefore, this variant is classified as a Variant of Uncertain Significance.

Labcorp Genetics (formerly Invitae), Labcorp
Classification: Uncertain significance for Hypokalemic periodic paralysis, type 1; Malignant hyperthermia, susceptibility to, 5. Last evaluated: 2023-04-03. Review status: criteria provided, single submitter. Criteria: Invitae Variant Classification Sherloc (09022015). Collection method: clinical testing. Allele origin: germline.
Comment: Advanced modeling of protein sequence and biophysical properties (such as structural, functional, and spatial information, amino acid conservation, physicochemical variation, residue mobility, and thermodynamic stability) performed at Invitae indicates that this missense variant is not expected to disrupt CACNA1S protein function. In summary, the available evidence is currently insufficient to determine the role of this variant in disease. Therefore, it has been classified as a Variant of Uncertain Significance. This variant has not been reported in the literature in individuals affected with CACNA1S-related conditions. This variant is present in population databases (rs267598293, gnomAD 0.002%). This sequence change replaces asparagine, which is neutral and polar, with lysine, which is basic and polar, at codon 1105 of the CACNA1S protein (p.Asn1105Lys).